The following is an entry in ClinVar:

NM_004562.3(PRKN):c.734+1G>A

Gene: PRKN (parkin RBR E3 ubiquitin protein ligase; minus strand). Cytogenetic location: 6q26.
Variant type: single nucleotide variant.
Coding change: c.734+1G>A on transcript NM_004562.3 (MANE Select); the canonical splice donor site of the intron after coding-DNA position 734, G replaced by A.
Molecular consequence: splice donor variant.
Genome position (GRCh38, 1-based): chr6:161,973,301, C>T on the plus strand (G>A on the coding strand, the complement: PRKN is on the minus strand). VCF-style: chr6-161973301-C-T. GRCh37 (hg19) VCF-style: chr6-162394333-C-T.
Other names: c.287+1G>A (NM_013988.3); c.650+1G>A (NM_013987.3).
Identifiers: ClinVar variation 571536 (VCV000571536.8), dbSNP rs1562430103, ClinGen allele CA366466784.

ClinVar aggregate classification (germline): Likely pathogenic (1 of 4 stars; one submission).

Allele frequency attached by ClinVar (database versions not stated): gnomAD exomes below 0.00001.
gnomAD v4.1: 1 of 1,598,554 alleles (0.000063%); highest among the groups gnomAD compares: Non-Finnish European, 0.000086%; no homozygotes.

Submission:

Labcorp Genetics (formerly Invitae), Labcorp
Classification: Likely pathogenic. Last evaluated: 2018-06-19. Review status: criteria provided, single submitter. Criteria: Invitae Variant Classification Sherloc (09022015). Collection method: clinical testing. Allele origin: germline.
Comment: This sequence change affects a donor splice site in intron 6 of the PARK2 gene. It is expected to disrupt RNA splicing and likely results in an absent or disrupted protein product. In summary, the currently available evidence indicates that the variant is pathogenic, but additional data are needed to prove that conclusively. Therefore, this variant has been classified as Likely Pathogenic. Donor and acceptor splice site variants typically lead to a loss of protein function (PMID: 16199547), and loss-of-function variants in PARK2 are known to be pathogenic (PMID: 10072423, 20301651, 22956510). This variant has not been reported in the literature in individuals with PARK2-related disease. This variant is not present in population databases (ExAC no frequency).

Literature cited by the submitters: PubMed 16199547; PubMed 10072423; PubMed 20301651; PubMed 22956510.